The following is an entry in ClinVar:

NM_001003694.2(BRPF1):c.3021dup (p.Glu1008Ter)

Gene: BRPF1 (bromodomain and PHD finger containing 1; plus strand). Cytogenetic location: 3p25.3.
Variant type: Duplication.
Coding change: c.3021dup on transcript NM_001003694.2 (MANE Select); coding-DNA position 3021, one base duplicated (T; older notation c.3021dupT).
Protein change: p.Glu1008Ter; replaces glutamic acid 1008 with a stop codon.
Molecular consequence: nonsense. On other transcripts: non-coding transcript variant (1).
Genome position (GRCh38, 1-based): chr3:9,745,108, T duplicated. VCF-style (leftmost placement, unchanged base first): chr3-9745107-C-CT. GRCh37 (hg19) VCF-style: chr3-9786791-C-CT.
Other names: c.2718dup, p.Glu907Ter (NM_001319049.2); c.3000dup, p.Glu1001Ter (NM_001319050.2); c.3018dup, p.Glu1007Ter (NM_001410704.1); c.3003dup, p.Glu1002Ter (NM_004634.3); short protein forms E1007*, E1008*, E1001*, E1002*, E907*.
Identifiers: ClinVar variation 3993199 (VCV003993199.1).

ClinVar aggregate classification (germline): Pathogenic (1 of 4 stars; one submission).

Conditions:
Inborn genetic diseases. Identifiers: MedGen C0950123, MeSH D030342.

Submission:

Ambry Genetics
Classification: Pathogenic for Inborn genetic diseases. Last evaluated: 2025-06-05. Review status: criteria provided, single submitter. Criteria: Ambry Variant Classification Scheme 2023. Collection method: clinical testing. Allele origin: germline.
Comment: The c.3021dupT (p.E1008*) alteration, located in exon 10 (coding exon 9) of the BRPF1 gene, consists of a duplication of T at position 3021, causing a translational frameshift with a predicted alternate stop codon after amino acids. This alteration is expected to result in loss of function by premature protein truncation or nonsense-mediated mRNA decay. This variant was not reported in population-based cohorts in the Genome Aggregation Database (gnomAD). This variant was determined to be de novo in at least one individual with features consistent with BRPF1-related neurodevelopmental disorder (Morison, 2024). Based on the available evidence, this alteration is classified as pathogenic.